The following is an entry in ClinVar:

ClinVar aggregate classification (germline): Uncertain significance. Review status: criteria provided, multiple submitters, no conflicts (2 of 4 stars). 3 submissions from 3 submitters: Uncertain significance (3). Last evaluated 2025-07-15.

Conditions:
Inborn genetic diseases. Identifiers: MedGen C0950123, MeSH D030342.
Pityriasis rubra pilaris (PRP). Also called: Pityriasis rubra pilaris--familial type. Identifiers: Orphanet 2897, MedGen C0032027, MONDO:0100017, OMIM 173200, MONDO:0008251.
Psoriasis 2. Identifiers: MedGen C1864497, MONDO:0011269, OMIM 602723.

Allele frequency attached by ClinVar (database versions not stated): gnomAD exomes 0.00001; ExAC 0.00002; gnomAD 0.00009; TOPMed 0.00009.
gnomAD v4.1: 27 of 1,598,498 alleles (0.0017%); highest among the groups gnomAD compares: African/African-American, 0.028%; no homozygotes.

Submissions (3):

Ambry Genetics
Classification: Uncertain significance for Inborn genetic diseases. Last evaluated: 2025-07-15. Review status: criteria provided, single submitter. Criteria: Ambry Variant Classification Scheme 2023. Collection method: clinical testing. Allele origin: germline.

Labcorp Genetics (formerly Invitae), Labcorp
Classification: Uncertain significance for Pityriasis rubra pilaris; Psoriasis 2. Last evaluated: 2024-11-09. Review status: criteria provided, single submitter. Criteria: Invitae Variant Classification Sherloc (09022015). Collection method: clinical testing. Allele origin: germline.
Comment: This sequence change replaces cysteine, which is neutral and slightly polar, with tyrosine, which is neutral and polar, at codon 804 of the CARD14 protein (p.Cys804Tyr). This variant is present in population databases (rs773117925, gnomAD 0.02%). This variant has not been reported in the literature in individuals affected with CARD14-related conditions. ClinVar contains an entry for this variant (Variation ID: 2178114). Invitae Evidence Modeling of protein sequence and biophysical properties (such as structural, functional, and spatial information, amino acid conservation, physicochemical variation, residue mobility, and thermodynamic stability) indicates that this missense variant is not expected to disrupt CARD14 protein function with a negative predictive value of 95%. In summary, the available evidence is currently insufficient to determine the role of this variant in disease. Therefore, it has been classified as a Variant of Uncertain Significance.

Blueprint Genetics
Classification: Uncertain significance. Last evaluated: 2023-06-19. Review status: criteria provided, single submitter. Criteria: ACMG Guidelines, 2015. Collection method: clinical testing. Allele origin: germline.

NM_001366385.1(CARD14):c.2411G>A (p.Cys804Tyr)

Genes: CARD14 (caspase recruitment domain family member 14; plus strand), SGSH (N-sulfoglucosamine sulfohydrolase; minus strand), LOC126862662 (MED14-independent group 3 enhancer GRCh37_chr17:78178385-78179584; plus strand). Cytogenetic location: 17q25.3.
Variant type: single nucleotide variant.
Coding change: c.2411G>A on transcript NM_001366385.1 (MANE Select); coding-DNA position 2411, G replaced by A.
Protein change: p.Cys804Tyr; replaces cysteine 804 with tyrosine.
Molecular consequence: missense variant. On other transcripts: non-coding transcript variant (1).
Genome position (GRCh38, 1-based): chr17:80,205,047, G>A. VCF-style: chr17-80205047-G-A. GRCh37 (hg19) VCF-style: chr17-78178846-G-A.
Other names: c.2411G>A, p.Cys804Tyr (NM_024110.4); c.2411G>A (NM_024110.3); short protein forms C804Y.
Identifiers: ClinVar variation 2178114 (VCV002178114.6), dbSNP rs773117925, ClinGen allele CA8817322.
Genomic context (GRCh38, chr17:80,205,047, plus strand): 5'-TGGGGGCTGCCGCAGCCTCACCCACCCTCAGGATCCTCTCCTCCACAGGCTCCAGCACGT[G>A]CTTCTGGGCCGAGAGCTGCCTCACCCTGGTGCCCTATACCCTGGTGCGGCCCCATCGACC-3'
Protein context (NP_001353314.1, residues 794-814): DPSRMEGSST[Cys804Tyr]FWAESCLTLV